The following is an entry in ClinVar:

NM_000548.5(TSC2):c.610C>G (p.Leu204Val)

Gene: TSC2 (TSC complex subunit 2; plus strand). Cytogenetic location: 16p13.3.
Variant type: single nucleotide variant.
Coding change: c.610C>G on transcript NM_000548.5 (MANE Select); coding-DNA position 610, C replaced by G.
Protein change: p.Leu204Val; replaces leucine 204 with valine.
Molecular consequence: missense variant. On other transcripts: 5 prime UTR variant (10), non-coding transcript variant (5).
Genome position (GRCh38, 1-based): chr16:2,056,206, C>G. VCF-style: chr16-2056206-C-G. GRCh37 (hg19) VCF-style: chr16-2106207-C-G.
Other names: c.610C>G, p.Leu204Val (NM_001077183.3, NM_001114382.3, NM_001363528.2 and 8 more transcripts); c.499C>G, p.Leu167Val (NM_001318827.2, NM_001406670.1, NM_001406678.1); c.463C>G, p.Leu155Val (NM_001318829.2, NM_001406675.1, NM_001406676.1 and 1 more transcripts); c.10C>G, p.Leu4Val (NM_001318831.2, NM_001406680.1, NM_001406682.1 and 6 more transcripts); c.643C>G, p.Leu215Val (NM_001318832.2); c.700C>G, p.Leu234Val (NM_001406667.1, NM_001406668.1); c.553C>G, p.Leu185Val (NM_001406677.1); c.148C>G, p.Leu50Val (NM_001406681.1); and 4 more; short protein forms L155V, L167V, L4V, L204V, L215V, L50V, L185V, L234V.
Identifiers: ClinVar variation 3811355 (VCV003811355.1).

ClinVar aggregate classification (germline): Uncertain significance (1 of 4 stars; one submission).

Conditions:
Hereditary cancer-predisposing syndrome. Also called: Neoplastic Syndromes, Hereditary; Hereditary Cancer Syndrome; Tumor predisposition; Hereditary neoplastic syndrome. Identifiers: Orphanet 140162, MedGen C0027672, MeSH D009386, MONDO:0015356.

Submission:

Ambry Genetics
Classification: Uncertain significance for Hereditary cancer-predisposing syndrome. Last evaluated: 2025-02-06. Review status: criteria provided, single submitter. Criteria: Ambry Variant Classification Scheme 2023. Collection method: clinical testing. Allele origin: germline.
Comment: The p.L204V variant (also known as c.610C>G), located in coding exon 6 of the TSC2 gene, results from a C to G substitution at nucleotide position 610. The leucine at codon 204 is replaced by valine, an amino acid with highly similar properties. This amino acid position is conserved. In addition, the in silico prediction for this alteration is inconclusive. Based on the available evidence, the clinical significance of this variant remains unclear.